The following is an entry in ClinVar:

ClinVar aggregate classification (germline): Uncertain significance (1 of 4 stars; one submission).

Submission:

Dasa
Classification: Uncertain significance. Last evaluated: 2025-01-19. Review status: criteria provided, single submitter. Criteria: DASA Assertion Criteria. Collection method: clinical testing. Allele origin: germline.
Comment: NM_031407.7(HUWE1):c.4811C>G (p.Ala1604Gly) is a missense variant that results in the substitution of alanine with glycine. This variant is absent from population databases. Computational prediction algorithms are consistent with a benign effect. The currently available literature and clinical evidence are not sufficient to establish a definitive association between this variant and the reported condition. Therefore, this variant is classified as a variant of uncertain significance.

NM_031407.7(HUWE1):c.4811C>G (p.Ala1604Gly)

Gene: HUWE1 (HECT, UBA and WWE domain containing E3 ubiquitin protein ligase 1; minus strand). Cytogenetic location: Xp11.22.
Variant type: single nucleotide variant.
Coding change: c.4811C>G on transcript NM_031407.7 (MANE Select); coding-DNA position 4811, C replaced by G.
Protein change: p.Ala1604Gly; replaces alanine 1604 with glycine.
Molecular consequence: missense variant.
Genome position (GRCh38, 1-based): chrX:53,586,503, G>C on the plus strand (C>G on the coding strand, the complement: HUWE1 is on the minus strand). VCF-style: chrX-53586503-G-C. GRCh37 (hg19) VCF-style: chrX-53613463-G-C.
Other names: c.4811C>G, p.Ala1604Gly (NM_001441048.1, NM_001441049.1, NM_001441051.1 and 6 more transcripts); c.4832C>G, p.Ala1611Gly (NM_001441050.1, NM_001441055.1); short protein forms A1604G, A1611G.
Identifiers: ClinVar variation 4882365 (VCV004882365.2).